The following is an entry in ClinVar:

ClinVar aggregate classification (germline): Uncertain significance. Review status: criteria provided, multiple submitters, no conflicts (2 of 4 stars). 3 submissions from 3 submitters: Uncertain significance (3). Last evaluated 2024-08-27.

Allele frequency attached by ClinVar (database versions not stated): ExAC 0.00001; gnomAD exomes 0.00001 and 0.00002; TOPMed 0.00003; gnomAD 0.00004; 1000 Genomes Project 30x 0.00031.
gnomAD v4.1: 38 of 1,613,188 alleles (0.0024%); highest among the groups gnomAD compares: Admixed American, 0.0033%; no homozygotes.

Submissions (3):

GeneDx
Classification: Uncertain significance. Last evaluated: 2024-08-27. Review status: criteria provided, single submitter. Criteria: GeneDx Variant Classification Process June 2021. Collection method: clinical testing. Allele origin: germline. Affected: yes.
Comment: Has not been previously published as pathogenic or benign to our knowledge; Not observed at significant frequency in large population cohorts (gnomAD); In silico analysis supports that this missense variant has a deleterious effect on protein structure/function

Blueprint Genetics
Classification: Uncertain significance. Last evaluated: 2024-07-15. Review status: criteria provided, single submitter. Criteria: ACMG Guidelines, 2015. Collection method: clinical testing. Allele origin: germline.

Labcorp Genetics (formerly Invitae), Labcorp
Classification: Uncertain significance. Last evaluated: 2022-05-08. Review status: criteria provided, single submitter. Criteria: Invitae Variant Classification Sherloc (09022015). Collection method: clinical testing. Allele origin: germline.
Comment: This sequence change replaces proline, which is neutral and non-polar, with glutamine, which is neutral and polar, at codon 441 of the COL9A1 protein (p.Pro441Gln). This variant is present in population databases (rs558743694, gnomAD 0.002%). This variant has not been reported in the literature in individuals affected with COL9A1-related conditions. ClinVar contains an entry for this variant (Variation ID: 1318982). Advanced modeling of protein sequence and biophysical properties (such as structural, functional, and spatial information, amino acid conservation, physicochemical variation, residue mobility, and thermodynamic stability) performed at Invitae indicates that this missense variant is not expected to disrupt COL9A1 protein function. In summary, the available evidence is currently insufficient to determine the role of this variant in disease. Therefore, it has been classified as a Variant of Uncertain Significance.

NM_001851.6(COL9A1):c.1322C>A (p.Pro441Gln)

Gene: COL9A1 (collagen type IX alpha 1 chain; minus strand). Cytogenetic location: 6q13.
Variant type: single nucleotide variant.
Coding change: c.1322C>A on transcript NM_001851.6 (MANE Select); coding-DNA position 1322, C replaced by A.
Protein change: p.Pro441Gln; replaces proline 441 with glutamine.
Molecular consequence: missense variant. On other transcripts: non-coding transcript variant (1).
Genome position (GRCh38, 1-based): chr6:70,266,736, G>T on the plus strand (C>A on the coding strand, the complement: COL9A1 is on the minus strand). VCF-style: chr6-70266736-G-T. GRCh37 (hg19) VCF-style: chr6-70976439-G-T.
Other names: c.593C>A, p.Pro198Gln (NM_001377289.1, NM_001377290.1, NM_078485.4); short protein forms P198Q, P441Q.
Identifiers: ClinVar variation 1318982 (VCV001318982.10), dbSNP rs558743694, ClinGen allele CA3882285.